The following is an entry in ClinVar:

ClinVar aggregate classification (germline): Conflicting classifications of pathogenicity. Review status: criteria provided, conflicting classifications (1 of 4 stars). 17 submissions from 13 submitters: Uncertain significance (4); Benign (4); Likely benign (5). 4 of the submissions do not count toward it. Last evaluated 2026-01-27.

Conditions:
Cardiovascular phenotype. Identifiers: MedGen CN230736.
TTN-related disorder. Also called: TTN-related condition; TTN-related disease; TTN-related disorders.
Tibial muscular dystrophy (TMD). Also called: Tibial muscular dystrophy, tardive; UDD MYOPATHY; Udd Distal Myopathy – Tibial Muscular Dystrophy. Identifiers: Orphanet 609, MedGen C1838244, MONDO:0010870, OMIM 600334.
Dilated cardiomyopathy 1G (CMD1G). Identifiers: Orphanet 154, MedGen C1858763, MONDO:0011400, OMIM 604145.
Early-onset myopathy with fatal cardiomyopathy (CMYO5). Also called: CONGENITAL MYOPATHY 5 WITH CARDIOMYOPATHY; Salih Myopathy. Identifiers: Orphanet 289377, MedGen C2673677, MONDO:0012714, OMIM 611705. Disease mechanism: loss of function.
Myopathy, myofibrillar, 9, with early respiratory failure (MFM9). Also called: Hereditary myopathy with early respiratory failure; EDSTROM MYOPATHY; MYOPATHY, PROXIMAL, WITH EARLY RESPIRATORY MUSCLE INVOLVEMENT; Myopathy, distal, with early respiratory failure, autosomal dominant. Identifiers: Orphanet 178464, Orphanet 34521, MedGen C1863599, MONDO:0011362, OMIM 603689.
Autosomal recessive limb-girdle muscular dystrophy type 2J (LGMDR10). Also called: Limb-girdle muscular dystrophy, type 2J; MUSCULAR DYSTROPHY, LIMB-GIRDLE, AUTOSOMAL RECESSIVE 10. Identifiers: Orphanet 140922, MedGen C1837342, MONDO:0012127, OMIM 608807.

Allele frequency attached by ClinVar (database versions not stated): gnomAD 0.00011 and 0.00015; TOPMed 0.00012; ExAC 0.00020; gnomAD exomes 0.00022; 1000 Genomes Project 0.00040; 1000 Genomes Project 30x 0.00062.
gnomAD v4.1: 132 of 1,612,042 alleles (0.0082%); highest among the groups gnomAD compares: East Asian, 0.15%; no homozygotes.

Submissions (17):

Labcorp Genetics (formerly Invitae), Labcorp
Classification: Likely benign for Dilated cardiomyopathy 1G; Autosomal recessive limb-girdle muscular dystrophy type 2J. Last evaluated: 2026-01-27. Review status: criteria provided, single submitter. Criteria: Invitae Variant Classification Sherloc (09022015). Collection method: clinical testing. Allele origin: germline.

Blueprint Genetics
Classification: Likely benign. Last evaluated: 2024-09-18. Review status: criteria provided, single submitter. Criteria: ACMG Guidelines, 2015. Collection method: clinical testing. Allele origin: germline.

Women's Health and Genetics/Laboratory Corporation of America, LabCorp
Classification: Benign. Last evaluated: 2022-03-07. Review status: criteria provided, single submitter. Criteria: LabCorp Variant Classification Summary - May 2015. Collection method: clinical testing. Allele origin: germline.
Comment: Variant summary: TTN c.40649A>G (p.Asp13550Gly) results in a non-conservative amino acid change located in the A-band of the encoded protein sequence. Three of four in-silico tools predict a damaging effect of the variant on protein function. The variant allele was found at a frequency of 0.00022 in 247994 control chromosomes, predominantly at a frequency of 0.0026 within the East Asian subpopulation in the gnomAD database, including 1 homozygotes. The observed variant frequency within East Asian control individuals in the gnomAD database is approximately 7 fold of the estimated maximal expected allele frequency for a pathogenic variant in TTN causing Dilated Cardiomyopathy phenotype (0.00039), strongly suggesting that the variant is a benign polymorphism found primarily in populations of East Asian origin. Seven clinical diagnostic laboratories have submitted clinical-significance assessments for this variant to ClinVar after 2014 without evidence for independent evaluation. Multiple laboratories reported the variant with conflicting assessments (Benign/likely benign n=5, VUS n=2). Based on the evidence outlined above, the variant was classified as benign.

GeneDx
Classification: Likely benign. Last evaluated: 2020-12-03. Review status: criteria provided, single submitter. Criteria: GeneDx Variant Classification Process June 2021. Collection method: clinical testing. Allele origin: germline. Affected: yes.
Comment: This variant is associated with the following publications: (PMID: 23861362)

Ambry Genetics
Classification: Likely benign for Cardiovascular phenotype. Last evaluated: 2019-06-26. Review status: criteria provided, single submitter. Criteria: Ambry Autosomal Dominant and X-Linked criteria (3/2017). Collection method: clinical testing. Allele origin: germline. Observed: 1 variant allele.
Comment: In silico models in agreement (benign);Subpopulation frequency in support of benign classification

Laboratory for Molecular Medicine, Mass General Brigham Personalized Medicine
Classification: Benign. Last evaluated: 2018-06-05. Review status: criteria provided, single submitter. Criteria: LMM Criteria. Collection method: clinical testing. Allele origin: germline. Observed: 2 variant alleles.
Comment: proposed classification - variant undergoing re-assessment, contact laboratory

Illumina Laboratory Services, Illumina
Classification: Benign for Tibial muscular dystrophy. Last evaluated: 2017-05-24. Review status: criteria provided, single submitter. Criteria: ICSL Variant Classification Criteria 13 December 2019. Collection method: clinical testing. Allele origin: germline.
Comment: This variant was observed as part of a predisposition screen in an ostensibly healthy population. A literature search was performed for the gene, cDNA change, and amino acid change (where applicable). No publications were found based on this search. Allele frequency data from public databases was too high to be consistent with this variant causing disease. Therefore, this variant is classified as benign.

Illumina Laboratory Services, Illumina
Classification: Benign for Myopathy, myofibrillar, 9, with early respiratory failure. Last evaluated: 2017-05-24. Review status: criteria provided, single submitter. Criteria: ICSL Variant Classification Criteria 13 December 2019. Collection method: clinical testing. Allele origin: germline.
Comment: the same text as in the submission from Illumina Laboratory Services, Illumina above.

Illumina Laboratory Services, Illumina
Classification: Uncertain significance for Dilated cardiomyopathy 1G. Last evaluated: 2017-04-27. Review status: criteria provided, single submitter. Criteria: ICSL Variant Classification Criteria 13 December 2019. Collection method: clinical testing. Allele origin: germline.

Illumina Laboratory Services, Illumina
Classification: Uncertain significance for Autosomal recessive limb-girdle muscular dystrophy type 2J. Last evaluated: 2017-04-27. Review status: criteria provided, single submitter. Criteria: ICSL Variant Classification Criteria 13 December 2019. Collection method: clinical testing. Allele origin: germline.

Illumina Laboratory Services, Illumina
Classification: Uncertain significance for Early-onset myopathy with fatal cardiomyopathy. Last evaluated: 2017-04-27. Review status: criteria provided, single submitter. Criteria: ICSL Variant Classification Criteria 13 December 2019. Collection method: clinical testing. Allele origin: germline.

Eurofins Ntd Llc (ga)
Classification: Uncertain significance. Last evaluated: 2016-10-21. Review status: criteria provided, single submitter. Criteria: EGL Classification Definitions 2015. Collection method: clinical testing. Allele origin: germline. Observed: 2 variant alleles, 2 heterozygotes.

Biesecker Lab/Clinical Genomics Section, National Institutes of Health
Classification: Likely benign. Last evaluated: 2013-06-24. Review status: criteria provided, single submitter. Criteria: Ng et al. (Circ Cardiovasc Genet. 2013). Collection method: research. Allele origin: unknown. Observed: 2 variant alleles. Study: ClinSeq.
Comment: The study set was not selected for affection status in relation to any cancer. Pathogenicity categories were based on literature curation. See Pubmed ID:23861362 for details.

Medical sequencing

PreventionGenetics, part of Exact Sciences
Classification: Likely benign for TTN-related condition. Last evaluated: 2020-08-24. Review status: no assertion criteria provided. Collection method: clinical testing. Allele origin: germline. Not counted in ClinVar's aggregate classification.
Comment: This variant is classified as likely benign based on ACMG/AMP sequence variant interpretation guidelines (Richards et al. 2015 PMID: 25741868, with internal and published modifications).

Clinical Genetics DNA and cytogenetics Diagnostics Lab, Erasmus MC, Erasmus Medical Center
Classification: Likely benign. Review status: no assertion criteria provided. Collection method: clinical testing. Allele origin: germline. Affected: yes. Study: VKGL Data-share Consensus. Not counted in ClinVar's aggregate classification.

Clinical Genetics, Academic Medical Center
Classification: Benign. Review status: no assertion criteria provided. Collection method: clinical testing. Allele origin: germline. Affected: yes. Study: VKGL Data-share Consensus. Not counted in ClinVar's aggregate classification.

Joint Genome Diagnostic Labs from Nijmegen and Maastricht, Radboudumc and MUMC+
Classification: Likely benign. Review status: no assertion criteria provided. Collection method: clinical testing. Allele origin: germline. Affected: yes. Study: VKGL Data-share Consensus. Not counted in ClinVar's aggregate classification.

Literature cited by the submitters: PubMed 23861362 (cited by Ambry Genetics).

NM_001267550.2(TTN):c.48353A>G (p.Asp16118Gly)

Genes: TTN (titin; minus strand), TTN-AS1 (TTN antisense RNA 1; plus strand). Cytogenetic location: 2q31.2.
Variant type: single nucleotide variant.
Coding change: c.48353A>G on transcript NM_001267550.2 (MANE Select); coding-DNA position 48353, A replaced by G.
Protein change: p.Asp16118Gly; replaces aspartic acid 16118 with glycine.
Molecular consequence: missense variant.
Genome position (GRCh38, 1-based): chr2:178,615,748, T>C on the plus strand (A>G on the coding strand, the complement: TTN is on the minus strand). VCF-style: chr2-178615748-T-C. GRCh37 (hg19) VCF-style: chr2-179480475-T-C.
Other names: p.D14477G:GAT>GGT; c.21158A>G, p.Asp7053Gly (NM_003319.4); c.21533A>G, p.Asp7178Gly (NM_133432.3); c.21734A>G, p.Asp7245Gly (NM_133437.4); c.43430A>G, p.Asp14477Gly (NM_001256850.1); c.40649A>G, p.Asp13550Gly (NM_133378.4); short protein forms D13550G, D16118G, D14477G, D7245G, D7053G, D7178G.
Identifiers: ClinVar variation 179187 (VCV000179187.34), dbSNP rs376273101, ClinGen allele CA183909.